The following is an entry in ClinVar:

NM_001134363.3(RBM20):c.2746del (p.Glu916fs)

Gene: RBM20 (RNA binding motif protein 20; plus strand). Cytogenetic location: 10q25.2.
Variant type: Deletion.
Coding change: c.2746del on transcript NM_001134363.3 (MANE Select); coding-DNA position 2746, one base deleted (G; older notation c.2746delG).
Protein change: p.Glu916fs; shifts the reading frame from glutamic acid 916.
Molecular consequence: frameshift variant.
Genome position (GRCh38, 1-based): chr10:110,821,365, G deleted; the last of 4 consecutive G bases (chr10:110,821,362-110,821,365); deleting any one gives the same sequence. VCF-style (leftmost placement, unchanged base first): chr10-110821361-TG-T. GRCh37 (hg19) VCF-style: chr10-112581119-TG-T.
Other names: short protein forms E916fs.
Identifiers: ClinVar variation 4533253 (VCV004533253.3).

ClinVar aggregate classification (germline): Likely pathogenic. Review status: criteria provided, multiple submitters, no conflicts (2 of 4 stars). 2 submissions from 2 submitters: Likely pathogenic (2). Last evaluated 2025-12-12.

Conditions:
Dilated cardiomyopathy 1DD (CMD1DD). Identifiers: Orphanet 154, MedGen C2750995, MONDO:0013168, OMIM 613172.

Submissions (2):

Center for Molecular Medicine, Children’s Hospital of Fudan University
Classification: Likely pathogenic for Dilated cardiomyopathy 1DD. Last evaluated: 2025-12-12. Review status: criteria provided, single submitter. Criteria: ACMG Guidelines 2015. Collection method: clinical testing. Allele origin: unknown. Affected: yes.
Comment: PVS1+PM2_Supp

Juno Genomics, Hangzhou Juno Genomics, Inc
Classification: Likely pathogenic for Dilated cardiomyopathy 1DD. Review status: criteria provided, single submitter. Criteria: ACMG Guidelines, 2015. Collection method: clinical testing. Allele origin: germline.
Comment: Absent from controls (or at extremely low frequency if recessive) in Genome Aggregation Database.;Null variant in a gene where loss of function (LOF) is a known mechanism of disease.